The following is an entry in ClinVar:

NM_177438.3(DICER1):c.3514C>A (p.Leu1172Ile)

Gene: DICER1 (dicer 1, ribonuclease III; minus strand). Cytogenetic location: 14q32.13.
Variant type: single nucleotide variant.
Coding change: c.3514C>A on transcript NM_177438.3 (MANE Select); coding-DNA position 3514, C replaced by A.
Protein change: p.Leu1172Ile; replaces leucine 1172 with isoleucine.
Molecular consequence: missense variant. On other transcripts: non-coding transcript variant (6).
Genome position (GRCh38, 1-based): chr14:95,103,882, G>T on the plus strand (C>A on the coding strand, the complement: DICER1 is on the minus strand). VCF-style: chr14-95103882-G-T. GRCh37 (hg19) VCF-style: chr14-95570219-G-T.
Other names: c.3514C>A, p.Leu1172Ile (NM_001195573.1, NM_001271282.3, NM_001291628.2 and 13 more transcripts); c.3232C>A, p.Leu1078Ile (NM_001395686.1); c.3109C>A, p.Leu1037Ile (NM_001395687.1, NM_001395688.1, NM_001395689.1 and 2 more transcripts); c.2947C>A, p.Leu983Ile (NM_001395691.1); c.1831C>A, p.Leu611Ile (NM_001395697.1); short protein forms L1037I, L1172I, L611I, L983I, L1078I.
Identifiers: ClinVar variation 1909152 (VCV001909152.7), dbSNP rs1028179766, ClinGen allele CA265906139.
Genomic context (GRCh38, chr14:95,103,882, plus strand): 5'-CTAAATCATAACTGCCATTGGCGAGATTTTGATTGTAAGAAAGACCATTAATTGCTGTAA[G>T]ATCTGCTGAAACTTCAACGTGGAGCTTACCAGGGGACTCGCTGAGCAACGTTCTGCAGTT-3'
Protein context (NP_803187.1, residues 1162-1182): GKLHVEVSAD[Leu1172Ile]TAINGLSYNQ

ClinVar aggregate classification (germline): Uncertain significance. Review status: criteria provided, multiple submitters, no conflicts (2 of 4 stars). 2 submissions from 2 submitters: Uncertain significance (2). Last evaluated 2025-10-17.

Conditions:
Hereditary cancer-predisposing syndrome. Also called: Tumor predisposition; Neoplastic Syndromes, Hereditary; Hereditary neoplastic syndrome; Hereditary Cancer Syndrome. Identifiers: Orphanet 140162, MedGen C0027672, MeSH D009386, MONDO:0015356.
DICER1-related tumor predisposition. Also called: DICER1-related pleuropulmonary blastoma cancer predisposition syndrome; DICER1 syndrome. Identifiers: Orphanet 284343, MedGen C3839822, MONDO:0100216.

Allele frequency attached by ClinVar (database versions not stated): gnomAD 0.00001; TOPMed 0.00001.
gnomAD v4.1: 1 of 1,614,050 alleles (0.000062%); highest among the groups gnomAD compares: African/African-American, 0.0013%; no homozygotes.

Submissions (2):

Ambry Genetics
Classification: Uncertain significance for Hereditary cancer-predisposing syndrome. Last evaluated: 2025-10-17. Review status: criteria provided, single submitter. Criteria: Ambry Variant Classification Scheme 2023. Collection method: clinical testing. Allele origin: germline.
Comment: The p.L1172I variant (also known as c.3514C>A), located in coding exon 20 of the DICER1 gene, results from a C to A substitution at nucleotide position 3514. The leucine at codon 1172 is replaced by isoleucine, an amino acid with highly similar properties. This amino acid position is conserved. In addition, this alteration is predicted to be tolerated by in silico analysis. Based on the available evidence, the clinical significance of this variant remains unclear.

Labcorp Genetics (formerly Invitae), Labcorp
Classification: Uncertain significance for DICER1-related tumor predisposition. Last evaluated: 2023-09-25. Review status: criteria provided, single submitter. Criteria: Invitae Variant Classification Sherloc (09022015). Collection method: clinical testing. Allele origin: germline.
Comment: This sequence change replaces leucine, which is neutral and non-polar, with isoleucine, which is neutral and non-polar, at codon 1172 of the DICER1 protein (p.Leu1172Ile). This variant is not present in population databases (gnomAD no frequency). This variant has not been reported in the literature in individuals affected with DICER1-related conditions. ClinVar contains an entry for this variant (Variation ID: 1909152). Advanced modeling of protein sequence and biophysical properties (such as structural, functional, and spatial information, amino acid conservation, physicochemical variation, residue mobility, and thermodynamic stability) performed at Invitae indicates that this missense variant is not expected to disrupt DICER1 protein function. In summary, the available evidence is currently insufficient to determine the role of this variant in disease. Therefore, it has been classified as a Variant of Uncertain Significance.